The following is an entry in ClinVar:

NM_019032.6(ADAMTSL4):c.2574_2575del (p.Cys858fs)

Gene: ADAMTSL4 (ADAMTS like 4; plus strand). Cytogenetic location: 1q21.2.
Variant type: Microsatellite.
Coding change: c.2574_2575del on transcript NM_019032.6 (MANE Select); coding-DNA positions 2574 to 2575, 2 bases deleted (TG; older notation c.2574_2575delTG).
Protein change: p.Cys858fs; shifts the reading frame from cysteine 858.
Molecular consequence: frameshift variant.
Genome position (GRCh38, 1-based): chr1:150,558,976-150,558,977, TG deleted; deleting any 2 consecutive bases within chr1:150,558,973-150,558,977 gives the same sequence; the c. name uses the placement nearest the transcript's 3' end. VCF-style (leftmost placement, unchanged base first): chr1-150558972-AGT-A. GRCh37 (hg19) VCF-style: chr1-150531448-AGT-A.
Other names: c.2457_2458del, p.Cys819fs (NM_001288607.2); c.2643_2644del, p.Cys881fs (NM_001288608.2); c.2574_2575del, p.Cys858fs (NM_001378596.1); short protein forms C881fs, C819fs, C858fs.
Identifiers: ClinVar variation 2077593 (VCV002077593.4), dbSNP rs748621675, ClinGen allele CA1078774.

ClinVar aggregate classification (germline): Pathogenic (1 of 4 stars; one submission).

Submission:

Labcorp Genetics (formerly Invitae), Labcorp
Classification: Pathogenic. Last evaluated: 2022-01-07. Review status: criteria provided, single submitter. Criteria: Invitae Variant Classification Sherloc (09022015). Collection method: clinical testing. Allele origin: germline.
Comment: For these reasons, this variant has been classified as Pathogenic. This variant has not been reported in the literature in individuals affected with ADAMTSL4-related conditions. This variant is present in population databases (rs748621675, gnomAD 0.003%). This sequence change creates a premature translational stop signal (p.Cys858Trpfs*41) in the ADAMTSL4 gene. It is expected to result in an absent or disrupted protein product. Loss-of-function variants in ADAMTSL4 are known to be pathogenic (PMID: 20564469, 28642162).

Literature cited by the submitters: PubMed 20564469; PubMed 28642162.